The following is an entry in ClinVar:

ClinVar aggregate classification (germline): Uncertain significance (1 of 4 stars; one submission).

Conditions:
POLD1-related polyposis and colorectal cancer syndrome (CRCS10). Also called: Colorectal cancer 10; COLORECTAL CANCER, SUSCEPTIBILITY TO, ON CHROMOSOME 19q; Colorectal cancer, susceptibility to, 10. Identifiers: Orphanet 220460, MedGen C2675481, MONDO:0012953, OMIM 612591.

Submission:

Labcorp Genetics (formerly Invitae), Labcorp
Classification: Uncertain significance for POLD1-related polyposis and colorectal cancer syndrome. Last evaluated: 2021-04-05. Review status: criteria provided, single submitter. Criteria: Invitae Variant Classification Sherloc (09022015). Collection method: clinical testing. Allele origin: germline.
Comment: In summary, the available evidence is currently insufficient to determine the role of this variant in disease. Therefore, it has been classified as a Variant of Uncertain Significance. Algorithms developed to predict the effect of missense changes on protein structure and function (SIFT, PolyPhen-2, Align-GVGD) all suggest that this variant is likely to be tolerated, but these predictions have not been confirmed by published functional studies and their clinical significance is uncertain. This variant has not been reported in the literature in individuals with POLD1-related conditions. This variant is not present in population databases (ExAC no frequency). This sequence change replaces serine with phenylalanine at codon 194 of the POLD1 protein (p.Ser194Phe). The serine residue is weakly conserved and there is a large physicochemical difference between serine and phenylalanine.

NM_002691.4(POLD1):c.581C>T (p.Ser194Phe)

Gene: POLD1 (DNA polymerase delta 1, catalytic subunit; plus strand). Cytogenetic location: 19q13.33.
Variant type: single nucleotide variant.
Coding change: c.581C>T on transcript NM_002691.4 (MANE Select); coding-DNA position 581, C replaced by T.
Protein change: p.Ser194Phe; replaces serine 194 with phenylalanine.
Molecular consequence: missense variant. On other transcripts: non-coding transcript variant (1).
Genome position (GRCh38, 1-based): chr19:50,402,116, C>T. VCF-style: chr19-50402116-C-T. GRCh37 (hg19) VCF-style: chr19-50905373-C-T.
Other names: c.581C>T, p.Ser194Phe (NM_001256849.1, NM_001308632.1); short protein forms S194F.
Identifiers: ClinVar variation 1479468 (VCV001479468.8), dbSNP rs144656348, ClinGen allele CA406973481.